The following is an entry in ClinVar:

NM_014363.6(SACS):c.2731A>G (p.Thr911Ala)

Gene: SACS (sacsin molecular chaperone; minus strand). Cytogenetic location: 13q12.12.
Variant type: single nucleotide variant.
Coding change: c.2731A>G on transcript NM_014363.6 (MANE Select); coding-DNA position 2731, A replaced by G.
Protein change: p.Thr911Ala; replaces threonine 911 with alanine.
Molecular consequence: missense variant.
Genome position (GRCh38, 1-based): chr13:23,341,145, T>C on the plus strand (A>G on the coding strand, the complement: SACS is on the minus strand). VCF-style: chr13-23341145-T-C. GRCh37 (hg19) VCF-style: chr13-23915284-T-C.
Other names: c.2290A>G, p.Thr764Ala (NM_001278055.2); short protein forms T911A, T764A.
Identifiers: ClinVar variation 3315986 (VCV003315986.2).

ClinVar aggregate classification (germline): Uncertain significance. Review status: criteria provided, multiple submitters, no conflicts (2 of 4 stars). 2 submissions from 2 submitters: Uncertain significance (2). Last evaluated 2025-06-30.

Conditions:
Inborn genetic diseases. Identifiers: MedGen C0950123, MeSH D030342.

gnomAD v4.1: 15 of 1,613,224 alleles (0.00093%); highest among the groups gnomAD compares: Non-Finnish European, 0.0013%; no homozygotes.

Submissions (2):

Athena Diagnostics
Classification: Uncertain significance. Last evaluated: 2025-06-30. Review status: criteria provided, single submitter. Criteria: Athena Diagnostics Criteria. Collection method: clinical testing. Allele origin: unknown.
Comment: Available data are insufficient to determine the clinical significance of the variant at this time. The frequency of this variant in the general population is uninformative in assessment of its pathogenicity. Polyphen and MutationTaster predict this amino acid change may be benign.

Ambry Genetics
Classification: Uncertain significance for Inborn genetic diseases. Last evaluated: 2024-05-08. Review status: criteria provided, single submitter. Criteria: Ambry Variant Classification Scheme 2023. Collection method: clinical testing. Allele origin: germline.